The following is an entry in ClinVar:

ClinVar aggregate classification (germline): Pathogenic. Review status: reviewed by expert panel (3 of 4 stars). 3 submissions from 3 submitters: Pathogenic (1). 2 of the submissions do not count toward it. Last evaluated 2017-12-15.

Conditions:
Breast-ovarian cancer, familial, susceptibility to, 2 (BROVCA2). Also called: BRCA2 Hereditary Breast and Ovarian Cancer. Identifiers: Orphanet 145, MedGen C2675520, MONDO:0012933, OMIM 612555. Disease mechanism: loss of function.
Familial cancer of breast. Also called: Hereditary breast cancer; BREAST CANCER, FAMILIAL; hereditary breast carcinoma. Identifiers: Orphanet 227535, MedGen C0346153, MONDO:0016419, OMIM 114480. Disease mechanism: loss of function.

Submissions (3):

Evidence-based Network for the Interpretation of Germline Mutant Alleles (ENIGMA)
Classification: Pathogenic for Breast-ovarian cancer, familial, susceptibility to, 2. Last evaluated: 2017-12-15. Review status: reviewed by expert panel. Criteria: ENIGMA BRCA1/2 Classification Criteria (2017-06-29). Collection method: curation. Allele origin: germline. Study: ENIGMA.
Comment: Variant allele predicted to encode a truncated non-functional protein.

GeneDx
Classification: Pathogenic. Last evaluated: 2015-03-23. Review status: criteria provided, single submitter. Criteria: GeneDx Variant Classification (06012015). Collection method: clinical testing. Allele origin: germline. Affected: yes. Not counted in ClinVar's aggregate classification.
Comment: This deletion of 2 nucleotides in BRCA2 is denoted c.4548_4549delCA at the cDNA level and p.Lys1517ArgfsX11 (K1517RfsX11) at the protein level. Using alternate nomenclature, this variant would also be defined as BRCA2 4776_4777delCA. The normal sequence, with the bases that are deleted in brackets, is AGAT[CA]AAGA. The deletion causes a frameshift, which changes a Lysine to an Arginine at codon 1517, and creates a premature stop codon at position 11 of the new reading frame. Although this variant has not, to our knowledge, been reported in the literature, it is predicted to cause loss of normal protein function through either protein truncation or nonsense-mediated mRNA decay. we consider this variant to be pathogenic.

Center of Medical Genetics and Primary Health Care
Classification: Pathogenic for Familial Breast cancer. Last evaluated: 2020-04-08. Review status: no assertion criteria provided. Collection method: research. Allele origin: germline. Affected: yes. Observed: 1 heterozygote. Not counted in ClinVar's aggregate classification.
Comment: ACMG Guidelines 2015 criteria The BRCA2 variant p.Lys1517Argfs is a known pathogenic variant in exon 11 in the BRCA2_REPEAT domain (F1009-2083F aa) and in a mutation hotspot region of 22 pathogenic variants (source, ClinVar) (PM1 Pathogenic Moderate). This domain, with other 39 aa repeats, participates in RAD51 binding (a key protein in DNA recombinational repair) and resistance to methyl methanesulphonate treatment. This deleterious variant truncates the protein domains and distroys its function (Chen et. Al, 1998) (PVS1 Pathogenic Very Strong; PS3 Pathogenic Strong). This variant is not found in GnomAD exomes neither in GnomAD genomes (PM2 Pathogenic Moderate). The variant has been classified as pathogenic by the ClinGen-approved ENIGMA expert panel (ClinVar SCV000783768.1) (PP5 Pathogenic Supporting). Therefore, this variant was classified as a Pathogenic.

NM_000059.4(BRCA2):c.4548_4549del (p.Lys1517fs)

Gene: BRCA2 (BRCA2 DNA repair associated; plus strand). Cytogenetic location: 13q13.1.
Variant type: Deletion.
Coding change: c.4548_4549del on transcript NM_000059.4 (MANE Select); coding-DNA positions 4548 to 4549, 2 bases deleted (CA; older notation c.4548_4549delCA).
Protein change: p.Lys1517fs; shifts the reading frame from lysine 1517.
Molecular consequence: frameshift variant.
Genome position (GRCh38, 1-based): chr13:32,338,903-32,338,904, CA deleted. VCF-style (leftmost placement, unchanged base first): chr13-32338902-TCA-T. GRCh37 (hg19) VCF-style: chr13-32913039-TCA-T.
Other names: c.4548_4549delCA (NM_000059.3); short protein forms K1517fs.
Identifiers: ClinVar variation 418759 (VCV000418759.9), dbSNP rs1064793413, ClinGen allele CA16619710.